The following is an entry in ClinVar:

ClinVar aggregate classification (germline): Conflicting classifications of pathogenicity. Review status: criteria provided, conflicting classifications (1 of 4 stars). 3 submissions from 3 submitters: Likely pathogenic (1); Uncertain significance (1). 1 of the submissions does not count toward it. Last evaluated 2024-11-22.

Conditions:
RYR1-related disorder. Also called: RYR1-related condition; RYR1-related disorders. Identifiers: MedGen CN239331.

Allele frequency attached by ClinVar (database versions not stated): gnomAD exomes 0.00001 and below 0.00001; TOPMed 0.00001; ExAC 0.00001; gnomAD 0.00001.

Submissions (3):

Women's Health and Genetics/Laboratory Corporation of America, LabCorp
Classification: Uncertain significance. Last evaluated: 2024-11-22. Review status: criteria provided, single submitter. Criteria: LabCorp Variant Classification Summary - May 2015. Collection method: clinical testing. Allele origin: germline.
Comment: Variant summary: RYR1 c.328C>T (p.His110Tyr) results in a conservative amino acid change located in the Inositol 1,4,5-trisphosphate/ryanodine receptor (IPR014821) of the encoded protein sequence. Four of five in-silico tools predict a damaging effect of the variant on protein function. The variant allele was found at a frequency of 4e-06 in 251278 control chromosomes. c.328C>T has been reported in the literature in an individual affected with Malignant Hyperthermia Susceptibility (Endo_2022) and in a foetal akinesia case where the variant was found in trans with another variant of uncertain significance (Boissel_2018, Alkhunaizi_2019). These data indicate that the variant may be associated with disease. To our knowledge, no experimental evidence demonstrating an impact on protein function has been reported. The following publications have been ascertained in the context of this evaluation (PMID: 29261186, 30652412, 35697689). ClinVar contains an entry for this variant (Variation ID: 421738). Based on the evidence outlined above, the variant was classified as VUS-possibly pathogenic.

GeneDx
Classification: Likely pathogenic. Last evaluated: 2019-12-13. Review status: criteria provided, single submitter. Criteria: GeneDx Variant Classification Process June 2021. Collection method: clinical testing. Allele origin: germline. Affected: yes.
Comment: Not observed at a significant frequency in large population cohorts (Lek et al., 2016); In silico analysis, which includes protein predictors and evolutionary conservation, supports a deleterious effect; In addition, in silico splice predictors suggests this variant may lead to abnormal gene splicing. In the absence of RNA/functional studies, the actual effect of this sequence change is unknown.; This variant is associated with the following publications: (PMID: 29261186, 30652412)

PreventionGenetics, part of Exact Sciences
Classification: Uncertain significance for RYR1-related condition. Last evaluated: 2024-03-27. Review status: no assertion criteria provided. Collection method: clinical testing. Allele origin: germline. Not counted in ClinVar's aggregate classification.
Comment: The RYR1 c.328C>T variant is predicted to result in the amino acid substitution p.His110Tyr. This variant has been reported in the compound heterozygous state in a severe fetal case with hydrops and contractures (Boissel et al. 2018. PubMed ID: 29261186). This variant has also been reported in the compound heterozygous state in a fetal case with the prenatal symptoms of hydrops fetalis, flexion contractures, muscle atrophy, and clubfeet (Alkhunaizi et al. 2019. PubMed ID: 30652412). This variant was also observed in an individual with malignant hyperthermia (Table S2 as chr19:g.38934255C>T; Endo Y et al 2022. PubMed ID: 35697689). This amino acid change is predicted to be damaging,; however, no functional studies have been conducted to confirm this prediction. Although we suspect this variant could be causative for autosomal recessive RYR1-related disorders, it is uncertain if this variant could cause a phenotype in the heterozygous state. Although we suspect that this variant may be pathogenic, at this time, the clinical significance of this variant is uncertain due to the absence of conclusive functional and genetic evidence.

Literature cited by the submitters: PubMed 29261186 (cited by Women's Health and Genetics/Laboratory Corporation of America, LabCorp); PubMed 30652412 (cited by Women's Health and Genetics/Laboratory Corporation of America, LabCorp); PubMed 35697689 (cited by Women's Health and Genetics/Laboratory Corporation of America, LabCorp).

NM_000540.3(RYR1):c.328C>T (p.His110Tyr)

Gene: RYR1 (ryanodine receptor 1; plus strand). Cytogenetic location: 19q13.2.
Variant type: single nucleotide variant.
Coding change: c.328C>T on transcript NM_000540.3 (MANE Select); coding-DNA position 328, C replaced by T.
Protein change: p.His110Tyr; replaces histidine 110 with tyrosine.
Molecular consequence: missense variant.
Genome position (GRCh38, 1-based): chr19:38,443,615, C>T. VCF-style: chr19-38443615-C-T. GRCh37 (hg19) VCF-style: chr19-38934255-C-T.
Other names: c.328C>T, p.His110Tyr (NM_001042723.2); short protein forms H110Y.
Identifiers: ClinVar variation 421738 (VCV000421738.8), dbSNP rs767777113, ClinGen allele CA064649.